The following is an entry in ClinVar:

ClinVar aggregate classification (germline): Uncertain significance. Review status: criteria provided, multiple submitters, no conflicts (2 of 4 stars). 2 submissions from 2 submitters: Uncertain significance (2). Last evaluated 2025-04-25.

Allele frequency attached by ClinVar (database versions not stated): ExAC 0.00002; gnomAD exomes 0.00002; gnomAD 0.00004; ESP Exome Variant Server 0.00015; 1000 Genomes Project 30x 0.00016; 1000 Genomes Project 0.00020.

Submissions (2):

Ambry Genetics
Classification: Uncertain significance. Last evaluated: 2025-04-25. Review status: criteria provided, single submitter. Criteria: Ambry Variant Classification Scheme 2023. Collection method: clinical testing. Allele origin: germline.

Labcorp Genetics (formerly Invitae), Labcorp
Classification: Uncertain significance. Last evaluated: 2024-10-22. Review status: criteria provided, single submitter. Criteria: Invitae Variant Classification Sherloc (09022015). Collection method: clinical testing. Allele origin: germline.
Comment: This sequence change replaces arginine, which is basic and polar, with tryptophan, which is neutral and slightly polar, at codon 3780 of the HMCN1 protein (p.Arg3780Trp). This variant is present in population databases (rs139071735, gnomAD 0.009%). This variant has not been reported in the literature in individuals affected with HMCN1-related conditions. ClinVar contains an entry for this variant (Variation ID: 2170749). An algorithm developed to predict the effect of missense changes on protein structure and function (PolyPhen-2) suggests that this variant is likely to be disruptive. In summary, the available evidence is currently insufficient to determine the role of this variant in disease. Therefore, it has been classified as a Variant of Uncertain Significance.

NM_031935.3(HMCN1):c.11338C>T (p.Arg3780Trp)

Gene: HMCN1 (hemicentin 1; plus strand). Cytogenetic location: 1q31.1.
Variant type: single nucleotide variant.
Coding change: c.11338C>T on transcript NM_031935.3 (MANE Select); coding-DNA position 11338, C replaced by T.
Protein change: p.Arg3780Trp; replaces arginine 3780 with tryptophan.
Molecular consequence: missense variant.
Genome position (GRCh38, 1-based): chr1:186,114,880, C>T. VCF-style: chr1-186114880-C-T. GRCh37 (hg19) VCF-style: chr1-186084012-C-T.
Other names: c.11338C>T (NM_031935.2); short protein forms R3780W.
Identifiers: ClinVar variation 2170749 (VCV002170749.5), dbSNP rs139071735, ClinGen allele CA1294010.